The following is an entry in ClinVar:

ClinVar aggregate classification (germline): Uncertain significance (1 of 4 stars; one submission).

Conditions:
Brown-Vialetto-van Laere syndrome 1. Also called: BROWN-VIALETTO-VAN LAERE SYNDROME 1, MILD; BULBAR PALSY, PROGRESSIVE, WITH SENSORINEURAL DEAFNESS; PONTOBULBAR PALSY WITH DEAFNESS. Identifiers: Orphanet 572550, Orphanet 97229, MedGen C0796274, MONDO:0024537, OMIM 211530.

Allele frequency attached by ClinVar (database versions not stated): ExAC 0.00001; TOPMed 0.00002.
gnomAD v4.1: 3 of 1,611,190 alleles (0.00019%); highest among the groups gnomAD compares: South Asian, 0.0011%; no homozygotes.

Submission:

Labcorp Genetics (formerly Invitae), Labcorp
Classification: Uncertain significance for Brown-Vialetto-van Laere syndrome 1. Last evaluated: 2023-05-10. Review status: criteria provided, single submitter. Criteria: Invitae Variant Classification Sherloc (09022015). Collection method: clinical testing. Allele origin: germline.
Comment: This sequence change replaces valine, which is neutral and non-polar, with isoleucine, which is neutral and non-polar, at codon 11 of the SLC52A3 protein (p.Val11Ile). The frequency data for this variant in the population databases is considered unreliable, as metrics indicate poor data quality at this position in the gnomAD database. This variant has not been reported in the literature in individuals affected with SLC52A3-related conditions. ClinVar contains an entry for this variant (Variation ID: 476609). Advanced modeling of protein sequence and biophysical properties (such as structural, functional, and spatial information, amino acid conservation, physicochemical variation, residue mobility, and thermodynamic stability) performed at Invitae indicates that this missense variant is not expected to disrupt SLC52A3 protein function. In summary, the available evidence is currently insufficient to determine the role of this variant in disease. Therefore, it has been classified as a Variant of Uncertain Significance.

NM_033409.4(SLC52A3):c.31G>A (p.Val11Ile)

Gene: SLC52A3 (solute carrier family 52 member 3; minus strand). Cytogenetic location: 20p13.
Variant type: single nucleotide variant.
Coding change: c.31G>A on transcript NM_033409.4 (MANE Select); coding-DNA position 31, G replaced by A.
Protein change: p.Val11Ile; replaces valine 11 with isoleucine.
Molecular consequence: missense variant.
Genome position (GRCh38, 1-based): chr20:765,744, C>T on the plus strand (G>A on the coding strand, the complement: SLC52A3 is on the minus strand). VCF-style: chr20-765744-C-T. GRCh37 (hg19) VCF-style: chr20-746388-C-T.
Other names: c.31G>A, p.Val11Ile (NM_001370085.1, NM_001370086.1); short protein forms V11I.
Identifiers: ClinVar variation 476609 (VCV000476609.8), dbSNP rs746808726, ClinGen allele CA9724840.